The following is an entry in ClinVar:

NM_199229.3(RPE):c.564+278C>T

Gene: RPE (ribulose-5-phosphate-3-epimerase; plus strand). Cytogenetic location: 2q34.
Variant type: single nucleotide variant.
Coding change: c.564+278C>T on transcript NM_199229.3 (MANE Select); 278 bases into the intron after coding-DNA position 564, C replaced by T.
Molecular consequence: intron variant. On other transcripts: synonymous variant (1).
Genome position (GRCh38, 1-based): chr2:210,017,837, C>T. VCF-style: chr2-210017837-C-T. GRCh37 (hg19) VCF-style: chr2-210882561-C-T.
Other names: c.612C>T, p.Ala204= (NM_001318927.2); c.414+278C>T (NM_001278283.2, NM_001278282.2, NM_006916.3); c.360+278C>T (NM_001318931.2, NM_001278288.2, NM_001278286.2 and 1 more transcripts); c.618+278C>T (NM_001318926.2); c.513+278C>T (NM_001318928.2); c.564+278C>T (NM_001278289.2, NM_001318929.2); c.477+1196C>T (NM_001278285.2).
Identifiers: ClinVar variation 2651858 (VCV002651858.24), dbSNP rs761845988, ClinGen allele CA64684378.

ClinVar aggregate classification (germline): Likely benign (1 of 4 stars; one submission).

Allele frequency attached by ClinVar (database versions not stated): gnomAD 0.00002; gnomAD exomes 0.00002; TOPMed 0.00003.
gnomAD v4.1: 10 of 576,066 alleles (0.0017%); highest among the groups gnomAD compares: South Asian, 0.0035%; no homozygotes.

Submission:

CeGaT Center for Human Genetics Tuebingen
Classification: Likely benign. Last evaluated: 2023-10-01. Review status: criteria provided, single submitter. Criteria: CeGaT Center For Human Genetics Tuebingen Variant Classification Criteria Version 2. Collection method: clinical testing. Allele origin: germline. Affected: yes. Observed: 1 variant allele.
Comment: RPE: BP4, BP7